The following is an entry in ClinVar:

ClinVar aggregate classification (germline): Uncertain significance (1 of 4 stars; one submission).

Conditions:
Hereditary breast ovarian cancer syndrome. Also called: Hereditary breast and ovarian cancer syndrome (HBOC); Breast and ovarian cancer; Hereditary breast and ovarian cancer syndrome; Hereditary breast and/or ovarian cancer syndrome; Hereditary breast and ovarian cancer; BRCA1- and BRCA2-Associated Hereditary Breast and Ovarian Cancer. Identifiers: Orphanet 145, MedGen C0677776, MeSH D061325, MONDO:0003582. Disease mechanism: loss of function.

Submission:

Labcorp Genetics (formerly Invitae), Labcorp
Classification: Uncertain significance for Hereditary breast ovarian cancer syndrome. Last evaluated: 2025-04-21. Review status: criteria provided, single submitter. Criteria: Invitae Variant Classification Sherloc (09022015). Collection method: clinical testing. Allele origin: germline.
Comment: This sequence change replaces glutamine, which is neutral and polar, with histidine, which is basic and polar, at codon 1395 of the BRCA1 protein (p.Gln1395His). This variant also falls at the last nucleotide of exon 11, which is part of the consensus splice site for this exon. This variant is not present in population databases (gnomAD no frequency). This variant has not been reported in the literature in individuals affected with BRCA1-related conditions. ClinVar contains an entry for this variant (Variation ID: 1410374). An algorithm developed to predict the effect of missense changes on protein structure and function (PolyPhen-2) suggests that this variant is likely to be disruptive. Variants that disrupt the consensus splice site are a relatively common cause of aberrant splicing (PMID: 17576681, 9536098). Algorithms developed to predict the effect of sequence changes on RNA splicing suggest that this variant may disrupt the consensus splice site. This variant disrupts the c.4185G nucleotide in the BRCA1 gene. Other variant(s) that disrupt this nucleotide have been determined to be pathogenic (PMID: 7493024, 9649133, 12759930, 23239986). This suggests that this nucleotide is clinically significant, and that variants that disrupt this position are likely to be disease-causing. In summary, the available evidence is currently insufficient to determine the role of this variant in disease. Therefore, it has been classified as a Variant of Uncertain Significance.

Literature cited by the submitters: PubMed 17576681; PubMed 9536098; PubMed 7493024; PubMed 9649133; PubMed 12759930; PubMed 23239986.

NM_007294.4(BRCA1):c.4185G>T (p.Gln1395His)

Gene: BRCA1 (BRCA1 DNA repair associated; minus strand). Cytogenetic location: 17q21.31.
Variant type: single nucleotide variant.
Coding change: c.4185G>T on transcript NM_007294.4 (MANE Select); coding-DNA position 4185, G replaced by T.
Protein change: p.Gln1395His; replaces glutamine 1395 with histidine.
Molecular consequence: missense variant. On other transcripts: non-coding transcript variant (1).
Genome position (GRCh38, 1-based): chr17:43,090,944, C>A on the plus strand (G>T on the coding strand, the complement: BRCA1 is on the minus strand). VCF-style: chr17-43090944-C-A. GRCh37 (hg19) VCF-style: chr17-41242961-C-A.
Other names: c.3972G>T, p.Gln1324His (NM_001407571.1, NM_001407853.1, NM_001407894.1 and 9 more transcripts); c.4185G>T, p.Gln1395His (NM_001407581.1, NM_001407582.1, NM_001407583.1 and 30 more transcripts); c.4182G>T, p.Gln1394His (NM_001407587.1, NM_001407590.1, NM_001407591.1 and 22 more transcripts); c.4176G>T, p.Gln1392His (NM_001407646.1, NM_001407647.1); c.4062G>T, p.Gln1354His (NM_001407648.1, NM_001407664.1, NM_001407665.1 and 19 more transcripts); c.4059G>T, p.Gln1353His (NM_001407649.1, NM_001407670.1, NM_001407671.1 and 11 more transcripts); c.4107G>T, p.Gln1369His (NM_001407653.1, NM_001407654.1, NM_001407655.1 and 4 more transcripts); c.4104G>T, p.Gln1368His (NM_001407659.1, NM_001407660.1, NM_001407661.1 and 1 more transcripts); and 41 more; short protein forms Q1348H, Q1395H, Q292H, Q1099H, Q124H, Q1268H, Q1306H, Q1324H.
Identifiers: ClinVar variation 1410374 (VCV001410374.9), dbSNP rs80356857, ClinGen allele CA10593355.
Genomic context (GRCh38, chr17:43,090,944, plus strand): 5'-TACTACTGAATGCAAAGGACACCACACACACGCATGTGCACACACACACACGCTTTTTAC[C>A]TGAGTGGTTAAAATGTCACTCTGAGAGGATAGCCCTGAGCAGTCTTCAGAGACGCTTGTT-3'
Protein context (NP_009225.1, residues 1385-1405): LSSQSDILTT[Gln1395His]QRDTMQHNLI